The following is an entry in ClinVar:

ClinVar aggregate classification (germline): Benign/Likely benign. Review status: criteria provided, multiple submitters, no conflicts (2 of 4 stars). 4 submissions from 4 submitters: Benign (2); Likely benign (2). Last evaluated 2025-10-16.

Conditions:
Pseudohypoaldosteronism type 2B (PHA2B). Also called: Pseudohypoaldosteronism Type IIB. Identifiers: Orphanet 757, Orphanet 88939, MedGen C1840390, MONDO:0013777, OMIM 614491.

Allele frequency attached by ClinVar (database versions not stated): gnomAD 0.00041 and 0.00043; TOPMed 0.00041; ESP Exome Variant Server 0.00077; ExAC 0.00080; gnomAD exomes 0.00080 and 0.00092.

Submissions (4):

Labcorp Genetics (formerly Invitae), Labcorp
Classification: Benign. Last evaluated: 2025-10-16. Review status: criteria provided, single submitter. Criteria: Invitae Variant Classification Sherloc (09022015). Collection method: clinical testing. Allele origin: germline.

Mayo Clinic Laboratories, Mayo Clinic
Classification: Likely benign. Last evaluated: 2025-10-14. Review status: criteria provided, single submitter. Criteria: ACMG Guidelines, 2015. Collection method: clinical testing. Allele origin: germline. Observed: 1 variant allele.
Comment: BS1, BP4_moderate

Fulgent Genetics
Classification: Likely benign for Pseudohypoaldosteronism type 2B. Last evaluated: 2021-07-06. Review status: criteria provided, single submitter. Criteria: ACMG Guidelines, 2015. Collection method: clinical testing. Allele origin: unknown.

Illumina Laboratory Services, Illumina
Classification: Benign for Pseudohypoaldosteronism type 2B. Last evaluated: 2018-01-13. Review status: criteria provided, single submitter. Criteria: ICSL Variant Classification Criteria 13 December 2019. Collection method: clinical testing. Allele origin: germline.
Comment: This variant was observed in the ICSL laboratory as part of a predisposition screen in an ostensibly healthy population. It had not been previously curated by ICSL or reported in the Human Gene Mutation Database (HGMD: prior to June 1st, 2018), and was therefore a candidate for classification through an automated scoring system. Utilizing variant allele frequency, disease prevalence and penetrance estimates, and inheritance mode, an automated score was calculated to assess if this variant is too frequent to cause the disease. Based on the score and internal cut-off values, a variant classified as benign is not then subjected to further curation. The score for this variant resulted in a classification of benign for this disease.

NM_032387.5(WNK4):c.1853G>T (p.Cys618Phe)

Gene: WNK4 (WNK lysine deficient protein kinase 4; plus strand). Cytogenetic location: 17q21.2.
Variant type: single nucleotide variant.
Coding change: c.1853G>T on transcript NM_032387.5 (MANE Select); coding-DNA position 1853, G replaced by T.
Protein change: p.Cys618Phe; replaces cysteine 618 with phenylalanine.
Molecular consequence: missense variant.
Genome position (GRCh38, 1-based): chr17:42,787,889, G>T. VCF-style: chr17-42787889-G-T. GRCh37 (hg19) VCF-style: chr17-40939907-G-T.
Other names: p.Cys618Phe; c.845G>T, p.Cys282Phe (NM_001321299.2); short protein forms C618F, C282F.
Identifiers: ClinVar variation 323330 (VCV000323330.11), dbSNP rs143396070, ClinGen allele CA8584111.
Genomic context (GRCh38, chr17:42,787,889, plus strand): 5'-CAGACCCTGCCCTTCAGCCCCCTGGGGGGGTGCCATCCAGCCTGGCTGAGTCCCATCTCT[G>T]CCTGCCCTCGGTGAGAGGGGGTCGCATGGGGGGCTCCCAGCCATTCCAAGCCTATGACCT-3'
Protein context (NP_115763.2, residues 608-628): VPSSLAESHL[Cys618Phe]LPSAFALSIP